The following is an entry in ClinVar:

NM_001376.5(DYNC1H1):c.4172A>G (p.Lys1391Arg)

Gene: DYNC1H1 (dynein cytoplasmic 1 heavy chain 1; plus strand). Cytogenetic location: 14q32.31.
Variant type: single nucleotide variant.
Coding change: c.4172A>G on transcript NM_001376.5 (MANE Select); coding-DNA position 4172, A replaced by G.
Protein change: p.Lys1391Arg; replaces lysine 1391 with arginine.
Molecular consequence: missense variant.
Genome position (GRCh38, 1-based): chr14:102,001,051, A>G. VCF-style: chr14-102001051-A-G. GRCh37 (hg19) VCF-style: chr14-102467388-A-G.
Other names: short protein forms K1391R.
Identifiers: ClinVar variation 2772424 (VCV002772424.3), dbSNP rs2503729625, ClinGen allele CA391039868.

ClinVar aggregate classification (germline): Uncertain significance (1 of 4 stars; one submission).

Conditions:
Charcot-Marie-Tooth disease axonal type 2O. Also called: CHARCOT-MARIE-TOOTH NEUROPATHY, AXONAL, TYPE 2O; CHARCOT-MARIE-TOOTH DISEASE, AXONAL, AUTOSOMAL DOMINANT, TYPE 2O; Charcot-Marie-Tooth Neuropathy Type 2O; Charcot-Marie-Tooth disease, axonal, type 20. Identifiers: Orphanet 284232, MedGen C3280220, MONDO:0013644, OMIM 614228.

Submission:

Labcorp Genetics (formerly Invitae), Labcorp
Classification: Uncertain significance for Charcot-Marie-Tooth disease axonal type 2O. Last evaluated: 2023-12-30. Review status: criteria provided, single submitter. Criteria: Invitae Variant Classification Sherloc (09022015). Collection method: clinical testing. Allele origin: germline.
Comment: This sequence change replaces lysine, which is basic and polar, with arginine, which is basic and polar, at codon 1391 of the DYNC1H1 protein (p.Lys1391Arg). This variant is not present in population databases (gnomAD no frequency). This variant has not been reported in the literature in individuals affected with DYNC1H1-related conditions. Advanced modeling of protein sequence and biophysical properties (such as structural, functional, and spatial information, amino acid conservation, physicochemical variation, residue mobility, and thermodynamic stability) performed at Invitae indicates that this missense variant is not expected to disrupt DYNC1H1 protein function with a negative predictive value of 95%. In summary, the available evidence is currently insufficient to determine the role of this variant in disease. Therefore, it has been classified as a Variant of Uncertain Significance.